The following is an entry in ClinVar:

ClinVar aggregate classification (germline): Likely pathogenic. Review status: criteria provided, multiple submitters, no conflicts (2 of 4 stars). 2 submissions from 2 submitters: Likely pathogenic (2). Last evaluated 2021-06-04.

Conditions:
Bainbridge-Ropers syndrome. Also called: Severe feeding difficulties-failure to thrive-microcephaly due to ASXL3 deficiency syndrome. Identifiers: Orphanet 352577, MedGen C4750837, MONDO:0014205, OMIM 615485.

Submissions (2):

Institute of Human Genetics, Clinical Exome/Genome Diagnostics Group, University Hospital Bonn
Classification: Likely pathogenic for Bainbridge-Ropers syndrome. Last evaluated: 2021-06-04. Review status: criteria provided, single submitter. Criteria: ACMG Guidelines, 2015. Collection method: clinical testing. Allele origin: de novo. Affected: yes.
Comment: PS2, PM2

Institute of Medical Genetics and Applied Genomics, University Hospital Tübingen
Classification: Likely pathogenic. Last evaluated: 2020-10-23. Review status: criteria provided, single submitter. Criteria: ACMG Guidelines, 2015. Collection method: clinical testing. Allele origin: germline. Inheritance: Unknown mechanism. Affected: yes.

NM_030632.3(ASXL3):c.4839_4890del (p.Met1614fs)

Gene: ASXL3 (ASXL transcriptional regulator 3; plus strand). Cytogenetic location: 18q12.1.
Variant type: Deletion.
Coding change: c.4839_4890del on transcript NM_030632.3 (MANE Select); coding-DNA positions 4839 to 4890, 52 bases deleted.
Protein change: p.Met1614fs; shifts the reading frame from methionine 1614.
Molecular consequence: frameshift variant.
Genome position (GRCh38, 1-based): chr18:33,744,687-33,744,738, 52 bases deleted. GRCh37 (hg19): chr18:31,324,651-31,324,702.
Other names: short protein forms M1614fs.
Identifiers: ClinVar variation 987505 (VCV000987505.3), ClinGen allele CA1139666036.